The following is an entry in ClinVar:

NM_005228.5(EGFR):c.3168A>C (p.Gln1056His)

Gene: EGFR (epidermal growth factor receptor; plus strand). Cytogenetic location: 7p11.2.
Variant type: single nucleotide variant.
Coding change: c.3168A>C on transcript NM_005228.5 (MANE Select); coding-DNA position 3168, A replaced by C.
Protein change: p.Gln1056His; replaces glutamine 1056 with histidine.
Molecular consequence: missense variant.
Genome position (GRCh38, 1-based): chr7:55,202,522, A>C. VCF-style: chr7-55202522-A-C. GRCh37 (hg19) VCF-style: chr7-55270215-A-C.
Other names: c.3033A>C, p.Gln1011His (NM_001346897.2, NM_001346899.2); c.3168A>C, p.Gln1056His (NM_001346898.2); c.3009A>C, p.Gln1003His (NM_001346900.2); c.2367A>C, p.Gln789His (NM_001346941.2); short protein forms Q789H, Q1003H, Q1011H, Q1056H.
Identifiers: ClinVar variation 836166 (VCV000836166.10), dbSNP rs758314765, ClinGen allele CA4266311.
Genomic context (GRCh38, chr7:55,202,522, plus strand): 5'-CACTGAAGTTGGGGCAGCCCTGACCGGAGTAACCTTCCCTCATTTCCTCCTGCAGCTGCA[A>C]AGCTGTCCCATCAAGGAAGACAGCTTCTTGCAGCGATACAGCTCAGACCCCACAGGCGCC-3'
Protein context (NP_005219.2, residues 1046-1066): TVACIDRNGL[Gln1056His]SCPIKEDSFL

ClinVar aggregate classification (germline): Uncertain significance. Review status: criteria provided, multiple submitters, no conflicts (2 of 4 stars). 3 submissions from 3 submitters: Uncertain significance (3). Last evaluated 2025-12-24.

Conditions:
Hereditary cancer-predisposing syndrome. Also called: Hereditary neoplastic syndrome; Neoplastic Syndromes, Hereditary; Tumor predisposition; Hereditary Cancer Syndrome. Identifiers: Orphanet 140162, MedGen C0027672, MeSH D009386, MONDO:0015356.
EGFR-related lung cancer (EGFR). Identifiers: MedGen CN130014.

Allele frequency attached by ClinVar (database versions not stated): gnomAD 0.00002; TOPMed 0.00002.
gnomAD v4.1: 50 of 1,607,256 alleles (0.0031%); highest among the groups gnomAD compares: Non-Finnish European, 0.0039%; no homozygotes.

Submissions (3):

Labcorp Genetics (formerly Invitae), Labcorp
Classification: Uncertain significance for EGFR-related lung cancer. Last evaluated: 2025-12-24. Review status: criteria provided, single submitter. Criteria: Invitae Variant Classification Sherloc (09022015). Collection method: clinical testing. Allele origin: germline.
Comment: This sequence change replaces glutamine, which is neutral and polar, with histidine, which is basic and polar, at codon 1056 of the EGFR protein (p.Gln1056His). This variant is present in population databases (rs758314765, gnomAD 0.0009%). This variant has not been reported in the literature in individuals affected with EGFR-related conditions. ClinVar contains an entry for this variant (Variation ID: 836166). An algorithm developed to predict the effect of missense changes on protein structure and function (PolyPhen-2) suggests that this variant is likely to be tolerated. In summary, the available evidence is currently insufficient to determine the role of this variant in disease. Therefore, it has been classified as a Variant of Uncertain Significance.

Ambry Genetics
Classification: Uncertain significance for Hereditary cancer-predisposing syndrome. Last evaluated: 2024-11-18. Review status: criteria provided, single submitter. Criteria: Ambry Variant Classification Scheme 2023. Collection method: clinical testing. Allele origin: germline.
Comment: The p.Q1056H variant (also known as c.3168A>C), located in coding exon 27 of the EGFR gene, results from an A to C substitution at nucleotide position 3168. The glutamine at codon 1056 is replaced by histidine, an amino acid with highly similar properties. This amino acid position is conserved. In addition, this alteration is predicted to be tolerated by in silico analysis. Based on the available evidence, the clinical significance of this variant remains unclear.

Sema4
Classification: Uncertain significance for Hereditary cancer-predisposing syndrome. Last evaluated: 2022-02-27. Review status: criteria provided, single submitter. Criteria: Sema4 Curation Guidelines. Collection method: curation. Allele origin: germline.
Comment: The EGFR c.3168A>C (p.Q1056H) variant has not been reported in the literature to our knowledge. This variant was observed in 1/107630 chromosomes in the Non-Finnish European population according to the Genome Aggregation Database (PMID: 32461654). The variant has been reported in ClinVar (Variation ID: 836166). Functional studies have not been performed, and in silico predictions of the variant's effect on protein function are inconclusive. The evidence is insufficient to meet ACMG/AMP criteria for classifying the variant as benign or pathogenic. Thus, the clinical significance of this variant is currently uncertain.